The following is an entry in ClinVar:

NM_001360016.2(G6PD):c.107T>C (p.Ile36Thr)

Genes: G6PD (glucose-6-phosphate dehydrogenase; minus strand), IKBKG (inhibitor of nuclear factor kappa B kinase regulatory subunit gamma; plus strand). Cytogenetic location: Xq28.
Variant type: single nucleotide variant.
Coding change: c.107T>C on transcript NM_001360016.2 (MANE Select); coding-DNA position 107, T replaced by C.
Protein change: p.Ile36Thr; replaces isoleucine 36 with threonine.
Molecular consequence: missense variant. On other transcripts: intron variant (4).
Genome position (GRCh38, 1-based): chrX:154,546,049, A>G on the plus strand (T>C on the coding strand, the complement: G6PD is on the minus strand). VCF-style: chrX-154546049-A-G. GRCh37 (hg19) VCF-style: chrX-153774264-A-G.
Other names: c.197T>C, p.Ile66Thr (NM_000402.4); c.107T>C, p.Ile36Thr (NM_001042351.3); c.-16+4658A>G (NM_001377312.1, NM_001377313.1); c.189+3597A>G (NM_001099856.6); c.-16+3662A>G (NM_001321396.3); short protein forms I36T, I66T.
Identifiers: ClinVar variation 1722654 (VCV001722654.3), dbSNP rs2523308345, ClinGen allele CA415201824.

ClinVar aggregate classification (germline): Uncertain significance (1 of 4 stars; one submission).

Conditions:
Anemia, nonspherocytic hemolytic, due to G6PD deficiency (CNSHA1). Also called: ANEMIA, CONGENITAL, NONSPHEROCYTIC HEMOLYTIC, 1; Class I glucose-6-phosphate dehydrogenase deficiency; Favism, susceptibility to; Hemolytic anemia due to G6PD deficiency. Identifiers: Orphanet 466026, MedGen C2720289, MONDO:0010480, OMIM 300908.

Submission:

Dunham Lab, University of Washington
Classification: Uncertain significance for Anemia, nonspherocytic hemolytic, due to G6PD deficiency. Last evaluated: 2024-12-05. Review status: criteria provided, single submitter. Criteria: Bayesian ACMG Guidelines, 2018. Collection method: curation. Allele origin: unknown. Affected: no.
Comment: Variant found in hemizyogte without G6PD deficiency and the activity in red blood cells is within the normal range (118%) (BS2). Post_P 0.0059 (odds of pathogenicity 0.053, Prior_P 0.1).

Literature cited by the submitters: PubMed 31862010.